The following is an entry in ClinVar:

ClinVar aggregate classification (germline): Benign/Likely benign. Review status: criteria provided, multiple submitters, no conflicts (2 of 4 stars). 3 submissions from 3 submitters: Benign (1); Likely benign (2). Last evaluated 2026-02-03.

Conditions:
MFSD2A-related disorder. Also called: MFSD2A-related condition.

Allele frequency attached by ClinVar (database versions not stated): ExAC 0.00020; gnomAD exomes 0.00022; 1000 Genomes Project 30x 0.00031; 1000 Genomes Project 0.00040; ESP Exome Variant Server 0.00054; gnomAD 0.00066 and 0.00073; TOPMed 0.00101.
gnomAD v4.1: 287 of 1,597,914 alleles (0.018%); highest among the groups gnomAD compares: African/African-American, 0.2%; 1 homozygote.

Submissions (3):

PreventionGenetics, part of Exact Sciences
Classification: Likely benign for MFSD2A-related condition. Last evaluated: 2026-02-03. Review status: criteria provided, single submitter. Criteria: ACMG Guidelines, 2015. Collection method: clinical testing. Allele origin: germline.
Comment: This variant is classified as likely benign based on ACMG/AMP sequence variant interpretation guidelines (Richards et al. 2015 PMID: 25741868, with internal and published modifications).

Labcorp Genetics (formerly Invitae), Labcorp
Classification: Benign. Last evaluated: 2025-11-14. Review status: criteria provided, single submitter. Criteria: Invitae Variant Classification Sherloc (09022015). Collection method: clinical testing. Allele origin: germline.

Genetic Services Laboratory, University of Chicago
Classification: Likely benign. Last evaluated: 2018-11-29. Review status: criteria provided, single submitter. Criteria: ACMG Guidelines, 2015. Collection method: clinical testing. Allele origin: germline. Affected: no.

NM_032793.5(MFSD2A):c.1533C>T (p.Asp511=)

Gene: MFSD2A (MFSD2 lysolipid transporter A, lysophospholipid; plus strand). Cytogenetic location: 1p34.2.
Variant type: single nucleotide variant.
Coding change: c.1533C>T on transcript NM_032793.5 (MANE Select); coding-DNA position 1533, C replaced by T.
Protein change: p.Asp511=; no amino-acid change (aspartic acid 511 retained).
Molecular consequence: synonymous variant. On other transcripts: non-coding transcript variant (1).
Genome position (GRCh38, 1-based): chr1:39,969,508, C>T. VCF-style: chr1-39969508-C-T. GRCh37 (hg19) VCF-style: chr1-40435180-C-T.
Other names: c.1416C>T, p.Asp472= (NM_001287809.2); c.1527C>T, p.Asp509= (NM_001349821.2); c.1449C>T, p.Asp483= (NM_001349822.2); c.1188C>T, p.Asp396= (NM_001349823.2); c.1572C>T, p.Asp524= (NM_001136493.3); c.1065C>T, p.Asp355= (NM_001287808.2).
Identifiers: ClinVar variation 1336942 (VCV001336942.12), dbSNP rs138442381, ClinGen allele CA789032.